The following is an entry in ClinVar:

NC_000021.8:g.(?_15552721)_(15554200_?)del

Gene: LIPI (lipase I; minus strand). Cytogenetic location: 21q11.2.
Variant type: Deletion.
Identifiers: ClinVar variation 3248217 (VCV003248217.1).

ClinVar aggregate classification (germline): Uncertain significance (1 of 4 stars; one submission).

Submission:

Labcorp Genetics (formerly Invitae), Labcorp
Classification: Uncertain significance. Last evaluated: 2023-11-19. Review status: criteria provided, single submitter. Criteria: Invitae Variant Classification Sherloc (09022015). Collection method: clinical testing. Allele origin: unknown.
Comment: This variant is a gross deletion of the genomic region encompassing exon(s) 4 of the LIPI gene. This variant would be expected to be in-frame, preserving the integrity of the reading frame. This variant has not been reported in the literature in individuals affected with LIPI-related conditions. Experimental studies and prediction algorithms are not available or were not evaluated, and the functional significance of this variant is currently unknown. In summary, the available evidence is currently insufficient to determine the role of this variant in disease. Therefore, it has been classified as a Variant of Uncertain Significance.